The following is an entry in ClinVar:

NM_001165963.4(SCN1A):c.4300T>A (p.Trp1434Arg)

Genes: SCN1A (sodium voltage-gated channel alpha subunit 1; minus strand), LOC102724058 (uncharacterized LOC102724058; plus strand). Cytogenetic location: 2q24.3.
Variant type: single nucleotide variant.
Coding change: c.4300T>A on transcript NM_001165963.4 (MANE Select); coding-DNA position 4300, T replaced by A.
Protein change: p.Trp1434Arg; replaces tryptophan 1434 with arginine.
Molecular consequence: missense variant. On other transcripts: non-coding transcript variant (1).
Genome position (GRCh38, 1-based): chr2:165,999,761, A>T on the plus strand (T>A on the coding strand, the complement: SCN1A is on the minus strand). VCF-style: chr2-165999761-A-T. GRCh37 (hg19) VCF-style: chr2-166856271-A-T.
Other names: c.4216T>A, p.Trp1406Arg (NM_001165964.3, NM_001353957.2, NM_001353958.2); c.4300T>A, p.Trp1434Arg (NM_001202435.3, NM_001353948.2); c.4267T>A, p.Trp1423Arg (NM_001353949.2, NM_001353950.2, NM_001353951.2 and 2 more transcripts); c.4264T>A, p.Trp1422Arg (NM_001353954.2, NM_001353955.2); c.4213T>A, p.Trp1405Arg (NM_001353960.2); c.1858T>A, p.Trp620Arg (NM_001353961.2); short protein forms W1423R, W620R, W1406R, W1422R, W1434R, W1405R.
Identifiers: ClinVar variation 1027787 (VCV001027787.6), dbSNP rs121918789, ClinGen allele CA349049615.
Genomic context (GRCh38, chr2:165,999,761, plus strand): 5'-TTAGAATACAAGGAATACTTACATTTCTGGAATCAACTGCTGCATACATTATATCCATCC[A>T]TCCTTTGAATGTGGCCTATTAAGAAGGACATGCATGTTTTACTTTGGAGTAAAAATAATT-3'
Protein context (NP_001159435.1, residues 1424-1444): SLLQVATFKG[Trp1434Arg]MDIMYAAVDS

ClinVar aggregate classification (germline): Conflicting classifications of pathogenicity. Review status: criteria provided, conflicting classifications (1 of 4 stars). 2 submissions from 2 submitters: Likely pathogenic (1); Uncertain significance (1). Last evaluated 2019-11-19.

Conditions:
Migraine, familial hemiplegic, 3. Identifiers: Orphanet 569, MedGen C1864987, MONDO:0012320, OMIM 609634.

Submissions (2):

Baylor Genetics
Classification: Uncertain significance for Migraine, familial hemiplegic, 3. Last evaluated: 2019-11-19. Review status: criteria provided, single submitter. Criteria: ACMG Guidelines, 2015. Collection method: clinical testing. Allele origin: unknown. Affected: yes.
Comment: This variant was determined to be of uncertain significance according to ACMG Guidelines, 2015 [PMID:25741868].

Mayo Clinic Laboratories, Mayo Clinic
Classification: Likely pathogenic. Last evaluated: 2019-05-20. Review status: criteria provided, single submitter. Criteria: ACMG Guidelines, 2015. Collection method: clinical testing. Allele origin: germline. Observed: 1 variant allele.
Comment: PS1, PM2, PP2, PP3